The following is an entry in ClinVar:

ClinVar aggregate classification (germline): Uncertain significance (1 of 4 stars; one submission).

Conditions:
Premature ovarian failure 14. Identifiers: MedGen C4693941, MONDO:0044777, OMIM 618014.

Allele frequency attached by ClinVar (database versions not stated): ExAC 0.00005; TOPMed 0.00008; gnomAD 0.00009; ESP Exome Variant Server 0.00015.

Submission:

Victorian Clinical Genetics Services, Murdoch Childrens Research Institute
Classification: Uncertain significance for Premature ovarian failure 14. Last evaluated: 2020-05-25. Review status: criteria provided, single submitter. Criteria: ACMG Guidelines, 2015. Collection method: clinical testing. Allele origin: germline. Inheritance: Autosomal recessive inheritance. Affected: yes.
Comment: Based on the classification scheme VCGS_Germline_v0.6.1, this variant is classified as VUS - 3A. Following criteria are met: 0105 - Mechanism of disease for this gene is unknown. (N) 0106 - This gene is known to be associated with autosomal recessive disease. (N) 0204 - Variant is predicted to result in a truncated protein with more than 1/3 of the protein affected. (P) 0304 - Variant is present in gnomAD <0.01 for a recessive indication (18 heterozygotes, 0 homozygotes). (P) 0604 - Variant is not located in an established domain, motif or hotspot. (N) 0704 - Two comparable variants also predicted to truncate the variant, have conflicting evidence of pathogenicity (ClinVar). (N) 0807 - Variant has not previously been reported in a clinical context. (N) 0905 - No published segregation evidence has been identified for this variant. (N) 1007 - No published functional evidence has been identified for this variant. (N) 1102 - Strong phenotype match. (N) Legend: (P) - Pathogenic, (N) - Neutral, (B) - Benign

NM_005260.7(GDF9):c.604C>T (p.Gln202Ter)

Gene: GDF9 (growth differentiation factor 9; minus strand). Cytogenetic location: 5q31.1.
Variant type: single nucleotide variant.
Coding change: c.604C>T on transcript NM_005260.7 (MANE Select); coding-DNA position 604, C replaced by T.
Protein change: p.Gln202Ter; replaces glutamine 202 with a stop codon.
Molecular consequence: nonsense.
Genome position (GRCh38, 1-based): chr5:132,862,350, G>A on the plus strand (C>T on the coding strand, the complement: GDF9 is on the minus strand). VCF-style: chr5-132862350-G-A. GRCh37 (hg19) VCF-style: chr5-132198042-G-A.
Other names: c.340C>T, p.Gln114Ter (NM_001288824.4, NM_001288825.4, NM_001288826.3 and 2 more transcripts); short protein forms Q114*, Q202*.
Identifiers: ClinVar variation 1804884 (VCV001804884.1), dbSNP rs139629952, ClinGen allele CA3408249.